The following is an entry in ClinVar:

ClinVar aggregate classification (germline): Uncertain significance (1 of 4 stars; one submission).

Conditions:
Inborn genetic diseases. Identifiers: MedGen C0950123, MeSH D030342.

Submission:

Ambry Genetics
Classification: Uncertain significance for Inborn genetic diseases. Last evaluated: 2022-08-30. Review status: criteria provided, single submitter. Criteria: Ambry Variant Classification Scheme 2023. Collection method: clinical testing. Allele origin: germline.
Comment: The p.H591L variant (also known as c.1772A>T), located in coding exon 15 of the LRRK2 gene, results from an A to T substitution at nucleotide position 1772. The histidine at codon 591 is replaced by leucine, an amino acid with similar properties. This amino acid position is conserved. In addition, the in silico prediction for this alteration is inconclusive. Since supporting evidence is limited at this time, the clinical significance of this alteration remains unclear.

NM_198578.4(LRRK2):c.1772A>T (p.His591Leu)

Gene: LRRK2 (leucine rich repeat kinase 2; plus strand). Cytogenetic location: 12q12.
Variant type: single nucleotide variant.
Coding change: c.1772A>T on transcript NM_198578.4 (MANE Select); coding-DNA position 1772, A replaced by T.
Protein change: p.His591Leu; replaces histidine 591 with leucine.
Molecular consequence: missense variant.
Genome position (GRCh38, 1-based): chr12:40,274,698, A>T. VCF-style: chr12-40274698-A-T. GRCh37 (hg19) VCF-style: chr12-40668500-A-T.
Other names: short protein forms H591L.
Identifiers: ClinVar variation 1779819 (VCV001779819.2), dbSNP rs1205315035, ClinGen allele CA384403225.